The following is an entry in ClinVar:

NM_001033855.3(DCLRE1C):c.679-3T>C

Gene: DCLRE1C (DNA cross-link repair 1C; minus strand). Cytogenetic location: 10p13.
Variant type: single nucleotide variant.
Coding change: c.679-3T>C on transcript NM_001033855.3 (MANE Select); 3 bases into the intron before coding-DNA position 679, T replaced by C.
Molecular consequence: intron variant.
Genome position (GRCh38, 1-based): chr10:14,932,958, A>G on the plus strand (T>C on the coding strand, the complement: DCLRE1C is on the minus strand). VCF-style: chr10-14932958-A-G. GRCh37 (hg19) VCF-style: chr10-14974957-A-G.
Other names: c.334-3T>C (NM_001350966.2, NM_001289078.2, NM_001289076.2 and 1 more transcripts); c.679-3T>C (NM_001350965.2); c.319-3T>C (NM_001350967.2, NM_001289077.2, NM_001289079.2 and 2 more transcripts).
Identifiers: ClinVar variation 879947 (VCV000879947.5), dbSNP rs186192379, ClinGen allele CA5416712.
Genomic context (GRCh38, chr10:14,932,958, plus strand): 5'-TGAGATGATGAAGGATCTCAGGCATGTTCCTAAACATGTCTAGCTTATTCACATGAACCT[A>G]AGGCAAATAATACATACATGCAAATTATGTGAAATGTATTTCCTATAAATTGTTCAAGGT-3'

ClinVar aggregate classification (germline): Uncertain significance. Review status: criteria provided, multiple submitters, no conflicts (2 of 4 stars). 2 submissions from 2 submitters: Uncertain significance (2). Last evaluated 2022-03-22.

Conditions:
Histiocytic medullary reticulosis. Also called: SEVERE COMBINED IMMUNODEFICIENCY WITH HYPEREOSINOPHILIA; Omenn syndrome. Identifiers: Orphanet 39041, MedGen C2700553, MONDO:0011338, OMIM 603554.
Severe combined immunodeficiency due to DCLRE1C deficiency (RS-SCID). Also called: SCID, AUTOSOMAL RECESSIVE, T CELL-NEGATIVE, B CELL-NEGATIVE, NK CELL-POSITIVE, WITH SENSITIVITY TO IONIZING RADIATION. Identifiers: Orphanet 275, MedGen C1865371, MONDO:0011225, OMIM 602450.

Allele frequency attached by ClinVar (database versions not stated): TOPMed 0.00004; ExAC 0.00005; gnomAD 0.00001 and 0.00002; 1000 Genomes Project 0.00020; gnomAD exomes 0.00008 and 0.00002; 1000 Genomes Project 30x 0.00016.
gnomAD v4.1: 33 of 1,613,770 alleles (0.002%); highest among the groups gnomAD compares: East Asian, 0.071%; no homozygotes.

Submissions (2):

Labcorp Genetics (formerly Invitae), Labcorp
Classification: Uncertain significance for Athabaskan severe combined immunodeficiency. Last evaluated: 2022-03-22. Review status: criteria provided, single submitter. Criteria: Invitae Variant Classification Sherloc (09022015). Collection method: clinical testing. Allele origin: germline.
Comment: This sequence change falls in intron 8 of the DCLRE1C gene. It does not directly change the encoded amino acid sequence of the DCLRE1C protein. It affects a nucleotide within the consensus splice site. This variant is present in population databases (rs186192379, gnomAD 0.1%). This variant has not been reported in the literature in individuals affected with DCLRE1C-related conditions. ClinVar contains an entry for this variant (Variation ID: 879947). Variants that disrupt the consensus splice site are a relatively common cause of aberrant splicing (PMID: 17576681, 9536098). Algorithms developed to predict the effect of sequence changes on RNA splicing suggest that this variant is not likely to affect RNA splicing. In summary, the available evidence is currently insufficient to determine the role of this variant in disease. Therefore, it has been classified as a Variant of Uncertain Significance.

Illumina Laboratory Services, Illumina
Classification: Uncertain significance for Histiocytic medullary reticulosis. Last evaluated: 2018-01-13. Review status: criteria provided, single submitter. Criteria: ICSL Variant Classification Criteria 13 December 2019. Collection method: clinical testing. Allele origin: germline.

Literature cited by the submitters: PubMed 17576681 (cited by Labcorp Genetics (formerly Invitae), Labcorp); PubMed 9536098 (cited by Labcorp Genetics (formerly Invitae), Labcorp).